The following is an entry in ClinVar:

NM_001040436.3(YARS2):c.688T>C (p.Tyr230His)

Gene: YARS2 (tyrosyl-tRNA synthetase 2; minus strand). Cytogenetic location: 12p11.21.
Variant type: single nucleotide variant.
Coding change: c.688T>C on transcript NM_001040436.3 (MANE Select); coding-DNA position 688, T replaced by C.
Protein change: p.Tyr230His; replaces tyrosine 230 with histidine.
Molecular consequence: missense variant.
Genome position (GRCh38, 1-based): chr12:32,755,187, A>G on the plus strand (T>C on the coding strand, the complement: YARS2 is on the minus strand). VCF-style: chr12-32755187-A-G. GRCh37 (hg19) VCF-style: chr12-32908121-A-G.
Other names: short protein forms Y230H.
Identifiers: ClinVar variation 1902092 (VCV001902092.5), dbSNP rs2541163169, ClinGen allele CA384373374.

ClinVar aggregate classification (germline): Uncertain significance (1 of 4 stars; one submission).

Submission:

Labcorp Genetics (formerly Invitae), Labcorp
Classification: Uncertain significance. Last evaluated: 2022-04-23. Review status: criteria provided, single submitter. Criteria: Invitae Variant Classification Sherloc (09022015). Collection method: clinical testing. Allele origin: germline.
Comment: In summary, the available evidence is currently insufficient to determine the role of this variant in disease. Therefore, it has been classified as a Variant of Uncertain Significance. Advanced modeling of protein sequence and biophysical properties (such as structural, functional, and spatial information, amino acid conservation, physicochemical variation, residue mobility, and thermodynamic stability) performed at Invitae indicates that this missense variant is not expected to disrupt YARS2 protein function. This variant has not been reported in the literature in individuals affected with YARS2-related conditions. This variant is not present in population databases (gnomAD no frequency). This sequence change replaces tyrosine, which is neutral and polar, with histidine, which is basic and polar, at codon 230 of the YARS2 protein (p.Tyr230His).